The following is an entry in ClinVar:

NM_032043.3(BRIP1):c.628-4_628-2delinsTTTTTTTTTTTTTTTTTTTTTTTTTTTTTTTTTTTTTTTTTTTTTTTTTNNNNNNNNNNCTGTTTCTCTACATCCTCTCCAGCTTCTGTTGTTTCCTGACTGTTTAATGATCACCATTCTAACTGGTGTGAGAG

Gene: BRIP1 (BRCA1 interacting DNA helicase 1; minus strand). Cytogenetic location: 17q23.2.
Variant type: Indel.
Coding change: c.628-4_628-2delinsTTTTTTTTTTTTTTTTTTTTTTTTTTTTTTTTTTTTTTTTTTTTTTTTTNNNNNNNNNNCTGTTTCTCTACATCCTCTCCAGCTTCTGTTGTTTCCTGACTGTTTAATGATCACCATTCTAACTGGTGTGAGAG on transcript NM_032043.3 (MANE Select); 4 bases into the intron before coding-DNA position 628 through the canonical splice acceptor site of the intron before coding-DNA position 628, the reference bases replaced by an inserted sequence.
Molecular consequence: splice acceptor variant.
Genome position (GRCh38, 1-based): chr17:61,808,759-61,808,761, 3 bases replaced. GRCh37 (hg19): chr17:59,886,120-59,886,122.
Identifiers: ClinVar variation 3754866 (VCV003754866.2).

ClinVar aggregate classification (germline): Likely pathogenic (1 of 4 stars; one submission).

Conditions:
Fanconi anemia complementation group J. Also called: BRIP1-Related Fanconi Anemia. Identifiers: Orphanet 84, MedGen C1836860, MONDO:0012187, OMIM 609054.
Familial cancer of breast. Also called: BREAST CANCER, FAMILIAL; Hereditary breast cancer; hereditary breast carcinoma. Identifiers: Orphanet 227535, MedGen C0346153, MONDO:0016419, OMIM 114480. Disease mechanism: loss of function.

Submission:

Labcorp Genetics (formerly Invitae), Labcorp
Classification: Likely pathogenic for Familial cancer of breast; Fanconi anemia complementation group J. Last evaluated: 2024-02-21. Review status: criteria provided, single submitter. Criteria: Invitae Variant Classification Sherloc (09022015). Collection method: clinical testing. Allele origin: germline.
Comment: This sequence change affects a splice site in intron 6 of the BRIP1 gene. It is expected to disrupt RNA splicing. Variants that disrupt the donor or acceptor splice site typically lead to a loss of protein function (PMID: 16199547), and loss-of-function variants in BRIP1 are known to be pathogenic (PMID: 16116423, 17033622, 21964575). This variant is not present in population databases (gnomAD no frequency). This variant has not been reported in the literature in individuals affected with BRIP1-related conditions. In summary, the currently available evidence indicates that the variant is pathogenic, but additional data are needed to prove that conclusively. Therefore, this variant has been classified as Likely Pathogenic.

Literature cited by the submitters: PubMed 16199547; PubMed 16116423; PubMed 17033622; PubMed 21964575.